The following is an entry in ClinVar:

ClinVar aggregate classification (germline): Uncertain significance (1 of 4 stars; one submission).

Submission:

GeneDx
Classification: Uncertain significance. Last evaluated: 2023-12-21. Review status: criteria provided, single submitter. Criteria: GeneDx Variant Classification Process June 2021. Collection method: clinical testing. Allele origin: germline. Affected: yes.
Comment: Not observed at significant frequency in large population cohorts (gnomAD); In silico analysis supports that this missense variant does not alter protein structure/function; Has not been previously published as pathogenic or benign to our knowledge

NM_001367721.1(CASK):c.1923A>T (p.Arg641Ser)

Gene: CASK (calcium/calmodulin dependent serine protein kinase; minus strand). Cytogenetic location: Xp11.4.
Variant type: single nucleotide variant.
Coding change: c.1923A>T on transcript NM_001367721.1 (MANE Select); coding-DNA position 1923, A replaced by T.
Protein change: p.Arg641Ser; replaces arginine 641 with serine.
Molecular consequence: missense variant.
Genome position (GRCh38, 1-based): chrX:41,553,835, T>A on the plus strand (A>T on the coding strand, the complement: CASK is on the minus strand). VCF-style: chrX-41553835-T-A. GRCh37 (hg19) VCF-style: chrX-41413088-T-A.
Other names: c.1854A>T, p.Arg618Ser (NM_001126054.3); c.1836A>T, p.Arg612Ser (NM_001126055.3); c.1905A>T, p.Arg635Ser (NM_001410745.1); c.1923A>T, p.Arg641Ser (NM_003688.4); short protein forms R612S, R618S, R635S, R641S.
Identifiers: ClinVar variation 3365908 (VCV003365908.1).